The following is an entry in ClinVar:

ClinVar aggregate classification (germline): Uncertain significance (1 of 4 stars; one submission).

gnomAD v4.1: 2 of 1,528,094 alleles (0.00013%); highest among the groups gnomAD compares: Non-Finnish European, 0.00018%; no homozygotes.

Submission:

Ambry Genetics
Classification: Uncertain significance. Last evaluated: 2024-11-25. Review status: criteria provided, single submitter. Criteria: Ambry Variant Classification Scheme 2023. Collection method: clinical testing. Allele origin: germline.
Comment: The p.P727R variant (also known as c.2180C>G), located in coding exon 9 of the WNK2 gene, results from a C to G substitution at nucleotide position 2180. The proline at codon 727 is replaced by arginine, an amino acid with dissimilar properties. This amino acid position is conserved. In addition, this alteration is predicted to be tolerated by in silico analysis. Based on the available evidence, the clinical significance of this variant remains unclear.

NM_006648.4(WNK2):c.2180C>G (p.Pro727Arg)

Gene: WNK2 (WNK lysine deficient protein kinase 2; plus strand). Cytogenetic location: 9q22.31.
Variant type: single nucleotide variant.
Coding change: c.2180C>G on transcript NM_006648.4 (MANE Select); coding-DNA position 2180, C replaced by G.
Protein change: p.Pro727Arg; replaces proline 727 with arginine.
Molecular consequence: missense variant.
Genome position (GRCh38, 1-based): chr9:93,256,444, C>G. VCF-style: chr9-93256444-C-G. GRCh37 (hg19) VCF-style: chr9-96018726-C-G.
Other names: c.2180C>G, p.Pro727Arg (NM_001282394.3); short protein forms P727R.
Identifiers: ClinVar variation 3333170 (VCV003333170.2).